The following is an entry in ClinVar:

NM_000095.3(COMP):c.1045G>C (p.Asp349His)

Gene: COMP (cartilage oligomeric matrix protein; minus strand). Cytogenetic location: 19p13.11.
Variant type: single nucleotide variant.
Coding change: c.1045G>C on transcript NM_000095.3 (MANE Select); coding-DNA position 1045, G replaced by C.
Protein change: p.Asp349His; replaces aspartic acid 349 with histidine.
Molecular consequence: missense variant.
Genome position (GRCh38, 1-based): chr19:18,787,581, C>G on the plus strand (G>C on the coding strand, the complement: COMP is on the minus strand). VCF-style: chr19-18787581-C-G. GRCh37 (hg19) VCF-style: chr19-18898390-C-G.
Other names: short protein forms D349H.
Identifiers: ClinVar variation 1723871 (VCV001723871.2), dbSNP rs2145902248, ClinGen allele CA404888430.
Genomic context (GRCh38, chr19:18,787,581, plus strand): 5'-CGCCCCGGCCGTCCTGGTCTGTGTCCTTTTGGTCGTCGTTCTTCTGGGACCGGCAGTTGT[C>G]GCACGCATCGCCCCACTTGTCCTCGTCCGTGTTGCGCTGGTCTGGGTTCCGCACCAGCGG-3'
Protein context (NP_000086.2, residues 339-359): TDEDKWGDAC[Asp349His]NCRSQKNDDQ

ClinVar aggregate classification (germline): Pathogenic. Review status: criteria provided, multiple submitters, no conflicts (2 of 4 stars). 2 submissions from 2 submitters: Pathogenic (2). Last evaluated 2022-06-01.

Conditions:
Pseudoachondroplastic spondyloepiphyseal dysplasia syndrome (PSACH). Also called: PSEUDOACHONDROPLASTIC DYSPLASIA; Pseudoachondroplasia; COMP-Related Pseudoachondroplasia. Identifiers: Orphanet 750, MedGen C0410538, MONDO:0008322, OMIM 177170.

Submissions (2):

Laboratory of Inherited Metabolic Diseases, Research centre for medical genetics
Classification: Pathogenic for Pseudoachondroplastic spondyloepiphyseal dysplasia syndrome. Last evaluated: 2022-06-01. Review status: criteria provided, single submitter. Criteria: ACMG Guidelines, 2015. Collection method: clinical testing. Allele origin: de novo. Affected: yes.

Clinical Biomedical Laboratory, Shriners Hospital For Children - Canada
Classification: Pathogenic for Pseudoachondroplastic spondyloepiphyseal dysplasia syndrome. Review status: criteria provided, single submitter. Criteria: ACMG Guidelines, 2015. Collection method: clinical testing. Allele origin: germline. Affected: yes.
Comment: Computational tools (REVEL: 0.93) suggest that the amino acid change is deleterious to protein function. Defects in this gene are associated with pseudoachondroplasia, which is consistent with the diagnosis of the proband. This variant is absent from gnomAD (v.2.1.1), indicating it is very rare. Based on the ACMG criteria (criteria: PM2, PM5, PP2, PP3, PP4), the available evidence supports classification of this variant as pathogenic.